The following is an entry in ClinVar:

NM_012469.4(PRPF6):c.926C>T (p.Pro309Leu)

Gene: PRPF6 (pre-mRNA processing factor 6; plus strand). Cytogenetic location: 20q13.33.
Variant type: single nucleotide variant.
Coding change: c.926C>T on transcript NM_012469.4 (MANE Select); coding-DNA position 926, C replaced by T.
Protein change: p.Pro309Leu; replaces proline 309 with leucine.
Molecular consequence: missense variant.
Genome position (GRCh38, 1-based): chr20:63,999,662, C>T. VCF-style: chr20-63999662-C-T. GRCh37 (hg19) VCF-style: chr20-62631015-C-T.
Other names: short protein forms P309L.
Identifiers: ClinVar variation 2133679 (VCV002133679.4), dbSNP rs1193207562, ClinGen allele CA409718921.

ClinVar aggregate classification (germline): Uncertain significance (1 of 4 stars; one submission).

Allele frequency attached by ClinVar (database versions not stated): gnomAD exomes below 0.00001.
gnomAD v4.1: 2 of 1,614,176 alleles (0.00012%); highest among the groups gnomAD compares: Admixed American, 0.0017%; no homozygotes.

Submission:

Labcorp Genetics (formerly Invitae), Labcorp
Classification: Uncertain significance. Last evaluated: 2022-08-23. Review status: criteria provided, single submitter. Criteria: Invitae Variant Classification Sherloc (09022015). Collection method: clinical testing. Allele origin: germline.
Comment: This sequence change replaces proline, which is neutral and non-polar, with leucine, which is neutral and non-polar, at codon 309 of the PRPF6 protein (p.Pro309Leu). This variant is present in population databases (no rsID available, gnomAD 0.003%). This variant has not been reported in the literature in individuals affected with PRPF6-related conditions. Algorithms developed to predict the effect of missense changes on protein structure and function are either unavailable or do not agree on the potential impact of this missense change (SIFT: "Deleterious"; PolyPhen-2: "Benign"; Align-GVGD: "Class C65"). In summary, the available evidence is currently insufficient to determine the role of this variant in disease. Therefore, it has been classified as a Variant of Uncertain Significance.